The following is an entry in ClinVar:

NM_001693.4(ATP6V1B2):c.722C>T (p.Ala241Val)

Gene: ATP6V1B2 (ATPase H+ transporting V1 subunit B2; plus strand). Cytogenetic location: 8p21.3.
Variant type: single nucleotide variant.
Coding change: c.722C>T on transcript NM_001693.4 (MANE Select); coding-DNA position 722, C replaced by T.
Protein change: p.Ala241Val; replaces alanine 241 with valine.
Molecular consequence: missense variant.
Genome position (GRCh38, 1-based): chr8:20,212,118, C>T. VCF-style: chr8-20212118-C-T. GRCh37 (hg19) VCF-style: chr8-20069629-C-T.
Other names: short protein forms A241V.
Identifiers: ClinVar variation 450177 (VCV000450177.2), dbSNP rs1554545462, ClinGen allele CA370472231.
Genomic context (GRCh38, chr8:20,212,118, plus strand): 5'-AGGATTTTTCTTCTCCCAGCACTGATGAAGTTATTGTTATTTAGGTAAACATGGAAACTG[C>T]CCGGTTCTTCAAATCTGACTTTGAAGAAAATGGCTCAATGGACAATGTCTGCCTCTTTTT-3'
Protein context (NP_001684.2, residues 231-251): FAAMGVNMET[Ala241Val]RFFKSDFEEN

ClinVar aggregate classification (germline): Likely pathogenic (1 of 4 stars; one submission).

Submission:

GeneDx
Classification: Likely pathogenic. Last evaluated: 2017-06-30. Review status: criteria provided, single submitter. Criteria: GeneDx Variant Classification (06012015). Collection method: clinical testing. Allele origin: germline. Affected: yes.
Comment: The A241V variant in the ATP6V1B2 gene has not been reported previously as a pathogenic variant, nor as a benign variant, to our knowledge. The A241V variant is not observed in large population cohorts (Lek et al., 2016; 1000 Genomes Consortium et al., 2015; Exome Variant Server). The A241V variant is a conservative amino acid substitution and occurs at a position that is conserved across species. In silico analysis predicts this variant is probably damaging to the protein structure/function. We interpret A241V as a likely pathogenic variant.